The following is an entry in ClinVar:

NM_006164.5(NFE2L2):c.1019A>G (p.Asn340Ser)

Gene: NFE2L2 (NFE2 like bZIP transcription factor 2; minus strand). Cytogenetic location: 2q31.2.
Variant type: single nucleotide variant.
Coding change: c.1019A>G on transcript NM_006164.5 (MANE Select); coding-DNA position 1019, A replaced by G.
Protein change: p.Asn340Ser; replaces asparagine 340 with serine.
Molecular consequence: missense variant.
Genome position (GRCh38, 1-based): chr2:177,231,584, T>C on the plus strand (A>G on the coding strand, the complement: NFE2L2 is on the minus strand). VCF-style: chr2-177231584-T-C. GRCh37 (hg19) VCF-style: chr2-178096312-T-C.
Other names: c.1019A>G (NM_006164.3); c.971A>G, p.Asn324Ser (NM_001145412.3, NM_001313900.1, NM_001313901.1); c.950A>G, p.Asn317Ser (NM_001145413.3); c.929A>G, p.Asn310Ser (NM_001313902.2); c.800A>G, p.Asn267Ser (NM_001313903.2); c.719A>G, p.Asn240Ser (NM_001313904.1); short protein forms N310S, N267S, N240S, N324S, N340S, N317S.
Identifiers: ClinVar variation 1356446 (VCV001356446.7), dbSNP rs755229916, ClinGen allele CA1979758.

ClinVar aggregate classification (germline): Uncertain significance. Review status: criteria provided, multiple submitters, no conflicts (2 of 4 stars). 2 submissions from 2 submitters: Uncertain significance (2). Last evaluated 2025-12-19.

Allele frequency attached by ClinVar (database versions not stated): TOPMed 0.00004; ExAC 0.00005; gnomAD 0.00005; gnomAD exomes 0.00008.
gnomAD v4.1: 124 of 1,614,092 alleles (0.0077%); highest among the groups gnomAD compares: Admixed American, 0.025%; no homozygotes.

Submissions (2):

Labcorp Genetics (formerly Invitae), Labcorp
Classification: Uncertain significance. Last evaluated: 2025-12-19. Review status: criteria provided, single submitter. Criteria: Invitae Variant Classification Sherloc (09022015). Collection method: clinical testing. Allele origin: germline.
Comment: This sequence change replaces asparagine, which is neutral and polar, with serine, which is neutral and polar, at codon 340 of the NFE2L2 protein (p.Asn340Ser). This variant is present in population databases (rs755229916, gnomAD 0.04%), and has an allele count higher than expected for a pathogenic variant. This variant has not been reported in the literature in individuals affected with NFE2L2-related conditions. ClinVar contains an entry for this variant (Variation ID: 1356446). Invitae Evidence Modeling of protein sequence and biophysical properties (such as structural, functional, and spatial information, amino acid conservation, physicochemical variation, residue mobility, and thermodynamic stability) indicates that this missense variant is not expected to disrupt NFE2L2 protein function with a negative predictive value of 80%. In summary, the available evidence is currently insufficient to determine the role of this variant in disease. Therefore, it has been classified as a Variant of Uncertain Significance.

Ambry Genetics
Classification: Uncertain significance. Last evaluated: 2021-08-12. Review status: criteria provided, single submitter. Criteria: Ambry Variant Classification Scheme 2023. Collection method: clinical testing. Allele origin: germline.